The following is an entry in ClinVar:

ClinVar aggregate classification (germline): Uncertain significance (1 of 4 stars; one submission).

Allele frequency attached by ClinVar (database versions not stated): gnomAD exomes below 0.00001; gnomAD 0.00001.
gnomAD v4.1: 4 of 1,613,480 alleles (0.00025%); highest among the groups gnomAD compares: Non-Finnish European, 0.00034%; no homozygotes.

Submission:

GeneDx
Classification: Uncertain significance. Last evaluated: 2021-06-28. Review status: criteria provided, single submitter. Criteria: GeneDx Variant Classification Process June 2021. Collection method: clinical testing. Allele origin: germline. Affected: yes.
Comment: Not observed at significant frequency in large population cohorts (Lek et al., 2016); In silico analysis supports that this missense variant does not alter protein structure/function; Has not been previously published as pathogenic or benign to our knowledge; This variant is associated with the following publications: (PMID: 27535533)

NM_001083619.3(GRIA2):c.2528C>T (p.Ala843Val)

Gene: GRIA2 (glutamate ionotropic receptor AMPA type subunit 2; plus strand). Cytogenetic location: 4q32.1.
Variant type: single nucleotide variant.
Coding change: c.2528C>T on transcript NM_001083619.3 (MANE Select); coding-DNA position 2528, C replaced by T.
Protein change: p.Ala843Val; replaces alanine 843 with valine.
Molecular consequence: missense variant.
Genome position (GRCh38, 1-based): chr4:157,362,920, C>T. VCF-style: chr4-157362920-C-T. GRCh37 (hg19) VCF-style: chr4-158284072-C-T.
Other names: c.2528C>T, p.Ala843Val (NM_000826.6); c.2387C>T, p.Ala796Val (NM_001083620.3, NM_001379000.3, NM_001379001.3); short protein forms A796V, A843V.
Identifiers: ClinVar variation 1331263 (VCV001331263.2), dbSNP rs1736697784, ClinGen allele CA358651173.